The following is an entry in ClinVar:

NM_002485.5(NBN):c.2234+5A>G

Gene: NBN (nibrin; minus strand). Cytogenetic location: 8q21.3.
Variant type: single nucleotide variant.
Coding change: c.2234+5A>G on transcript NM_002485.5 (MANE Select); 5 bases into the intron after coding-DNA position 2234, A replaced by G.
Molecular consequence: intron variant.
Genome position (GRCh38, 1-based): chr8:89,937,021, T>C on the plus strand (A>G on the coding strand, the complement: NBN is on the minus strand). VCF-style: chr8-89937021-T-C. GRCh37 (hg19) VCF-style: chr8-90949249-T-C.
Other names: c.1988+5A>G (NM_001024688.3).
Identifiers: ClinVar variation 652659 (VCV000652659.8), dbSNP rs1586024121, ClinGen allele CA915945757.
Genomic context (GRCh38, chr8:89,937,021, plus strand): 5'-ATGAACAGAACTAAATTTTATATACATCTCTCAAAGGTACATGAGAAAGGTGAATCAAAC[T>C]TTACCTAAAAAGATCATCAGCAAGAGACTCTTCTTTTGCATGTTGATTTTGTACCTGTCA-3'

ClinVar aggregate classification (germline): Uncertain significance (1 of 4 stars; one submission).

Conditions:
Microcephaly, normal intelligence and immunodeficiency (NBS). Also called: BERLIN BREAKAGE SYNDROME; Nijmegen breakage syndrome; Microcephaly with normal intelligence immunodeficiency and lymphoreticular malignancies; Nonsyndromal microcephaly autosomal recessive with normal intelligence; Seemanova syndrome 2; SEEMANOVA SYNDROME II. Identifiers: Orphanet 647, MedGen C0398791, MONDO:0009623, OMIM 251260.

Submission:

Labcorp Genetics (formerly Invitae), Labcorp
Classification: Uncertain significance for Microcephaly, normal intelligence and immunodeficiency. Last evaluated: 2022-01-27. Review status: criteria provided, single submitter. Criteria: Invitae Variant Classification Sherloc (09022015). Collection method: clinical testing. Allele origin: germline.
Comment: In summary, the available evidence is currently insufficient to determine the role of this variant in disease. Therefore, it has been classified as a Variant of Uncertain Significance. Variants that disrupt the consensus splice site are a relatively common cause of aberrant splicing (PMID: 17576681, 9536098). Algorithms developed to predict the effect of sequence changes on RNA splicing suggest that this variant may create or strengthen a splice site. ClinVar contains an entry for this variant (Variation ID: 652659). This variant has not been reported in the literature in individuals affected with NBN-related conditions. This variant is not present in population databases (gnomAD no frequency). This sequence change falls in intron 15 of the NBN gene. It does not directly change the encoded amino acid sequence of the NBN protein. It affects a nucleotide within the consensus splice site.

Literature cited by the submitters: PubMed 17576681; PubMed 9536098.